The following is an entry in ClinVar:

NM_000260.4(MYO7A):c.2476G>A (p.Ala826Thr)

Gene: MYO7A (myosin VIIA; plus strand). Cytogenetic location: 11q13.5.
Variant type: single nucleotide variant.
Coding change: c.2476G>A on transcript NM_000260.4 (MANE Select); coding-DNA position 2476, G replaced by A.
Protein change: p.Ala826Thr; replaces alanine 826 with threonine.
Molecular consequence: missense variant.
Genome position (GRCh38, 1-based): chr11:77,179,843, G>A. VCF-style: chr11-77179843-G-A. GRCh37 (hg19) VCF-style: chr11-76890889-G-A.
Other names: NM_000260.3(MYO7A):c.2476G>A; NM_000260.4(MYO7A):c.2476G>A; c.2476G>A, p.Ala826Thr (NM_001127180.2); c.2443G>A, p.Ala815Thr (NM_001369365.1); short protein forms A826T, A815T.
Identifiers: ClinVar variation 177732 (VCV000177732.109), dbSNP rs368341987, ClinGen allele CA180669.

ClinVar aggregate classification (germline): Uncertain significance. Review status: reviewed by expert panel (3 of 4 stars). 18 submissions from 16 submitters: Uncertain significance (1). 17 of the submissions do not count toward it. Last evaluated 2023-01-18.

Conditions:
Usher syndrome. Also called: Usher's syndrome; Usher Syndromes. Identifiers: Orphanet 886, MedGen CN469326, MeSH D052245, MONDO:0019501. Disease mechanism: loss of function.
MYO7A-related disorder. Also called: MYO7A-related disorders.
Autosomal recessive nonsyndromic hearing loss 2. Also called: NEUROSENSORY NONSYNDROMIC RECESSIVE DEAFNESS 2; DEAFNESS, AUTOSOMAL RECESSIVE 2. Identifiers: Orphanet 90636, MedGen C1838701, MONDO:0010807, OMIM 600060.
Autosomal dominant nonsyndromic hearing loss 11. Identifiers: Orphanet 90635, MedGen C1832475, MONDO:0011032, OMIM 601317.
Usher syndrome type 1 (USH1). Also called: RETINITIS PIGMENTOSA AND CONGENITAL DEAFNESS. Identifiers: Orphanet 231169, Orphanet 886, MedGen C1568247, MONDO:0010168, OMIM 276900.
Usher syndrome type 1B (USH1B). Also called: Usher syndrome type IB. Identifiers: MedGen C1848638, MONDO:0700087.

Allele frequency attached by ClinVar (database versions not stated): gnomAD 0.00021 and 0.00042; ESP Exome Variant Server 0.00026; TOPMed 0.00033; gnomAD exomes 0.00071 and 0.00121; 1000 Genomes Project 30x 0.00141; 1000 Genomes Project 0.00180; ExAC 0.00392.
gnomAD v4.1: 1,053 of 1,542,830 alleles (0.068%); highest among the groups gnomAD compares: South Asian, 0.6%; 5 homozygotes.

Submissions 1 to 9 of 18:

ClinGen Hearing Loss Variant Curation Expert Panel
Classification: Uncertain significance for Usher syndrome. Last evaluated: 2023-01-18. Review status: reviewed by expert panel. Criteria: Clingen Hl Acmg Specifications Cdh23 Coch Gjb2 Kcnq4 Myo6 Myo7a Slc26a4 Tecta Ush2a V2. Collection method: curation. Allele origin: germline. Inheritance: Autosomal recessive inheritance.
Comment: The variant NM_000260.4:c.2476G>A in MYO7A is a missense variant predicted to cause substitution of alanine by threonine at amino acid 826 (p.Ala826Thr). The filtering allele frequency of the variant is 0.55% for South Asian chromosomes by gnomAD, including 1 homozygous observation (144/22680 with 95% CI), meeting BA1 criteria. The REVEL computational prediction analysis tool produced a score of 0.54, which meets neither PP3 nor BP4 criteria. This variant has been detected in 2 patients with Usher syndrome in trans with pathogenic variants, and has been observed as homozygous in at least 9 cases (PM3; PMID:27460420, 29490346, 23770805, 22135276, 18181211, 9382091). The evidence originally met PM3_Strong criteria, however was downgraded to PM3 by the VCEP due to the high filtering allele frequency of the variant. The variant has also been reported to segregate with Usher syndrome in at least 12 family members (PP1_Strong; 23770805, 9382091). In most of these cases, the patients were documented to have both hearing loss and retinitis pigmentosa (PP4; PMID:27460420, 29490346, 23770805, 22135276, 9382091). In summary, the variant meets criteria to be classified as uncertain significance for AR Usher syndrome. ACMG/AMP criteria met, as specified by the ClinGen Hearing Loss VCEP: BA1, PM3, PP1_Strong, PP4 (ClinGen Hearing Loss VCEP specifications version 2; 1/18/2023).

PreventionGenetics, part of Exact Sciences
Classification: Uncertain significance for MYO7A-related condition. Last evaluated: 2026-09-10. Review status: criteria provided, single submitter. Criteria: ACMG Guidelines, 2015. Collection method: clinical testing. Allele origin: germline. Not counted in ClinVar's aggregate classification.
Comment: The MYO7A c.2476G>A variant is predicted to result in the amino acid substitution p.Ala826Thr. This variant has been reported many times in individual with Usher syndrome or non-syndromic retinal disease (see for examples: Le Quesne Stabej et al. 2011. PubMed ID: 22135276; Khalaileh et al. 2018. PubMed ID: 29490346; Table S2, Sharon et al. 2019. PubMed ID: 31456290; Table S1, Lin et al. 2024. PubMed ID: 38219857). However, this variant is present in 0.65% of alleles in individuals of South Asian descent in gnomAD, including 5 homozygotes in gnomAD v4 (available only on GRCh38). This variant has been classified as uncertain by the ClinGen Hearing Loss Variant Curation Expert Panel. At this time, the clinical significance of this variant is uncertain due to the absence of conclusive functional and genetic evidence.

GeneDx
Classification: Uncertain significance. Last evaluated: 2026-08-04. Review status: criteria provided, single submitter. Criteria: GeneDx Variant Classification Process June 2021. Collection method: clinical testing. Allele origin: germline. Not counted in ClinVar's aggregate classification.
Comment: In silico analysis supports that this missense variant has a deleterious effect on protein structure/function; Classified as a variant of uncertain significance by the ClinGen Hearing Loss Expert Panel (ClinVar SCV000927011.1; PMID 30311386); This variant is associated with the following publications: (PMID: 40047057, 18181211, 23770805, 34426522, 22135276, 33671976, 9382091, 27460420, 31479088, 29490346, 30245029, 31456290, 30881389, 35551639, 38378725, 30311386, 37541188, 38219857)

Women's Health and Genetics/Laboratory Corporation of America, LabCorp
Classification: Uncertain significance. Last evaluated: 2025-11-04. Review status: criteria provided, single submitter. Criteria: LabCorp Variant Classification Summary - May 2015. Collection method: clinical testing. Allele origin: germline. Not counted in ClinVar's aggregate classification.
Comment: Variant summary: MYO7A c.2476G>A (p.Ala826Thr) results in a non-conservative amino acid change in the encoded protein sequence. Algorithms developed to predict the effect of missense changes on protein structure and function all suggest that this variant is likely to be disruptive. The variant allele was found at a frequency of 0.00068 in 1542830 control chromosomes in the gnomAD database, including 5 homozygotes. This frequency is not significantly higher than estimated for disease-causing variants in MYO7A, allowing no conclusion about variant significance. c.2476G>A has been observed in numerous homozygous or presumed compound heterozygous individuals affected with autosomal recessive Usher Syndrome (example, Adato_1997, Riazzudin_2008, Le Quesne_2012, Bonnet_2016), including several families of Moroccan descent where multiple homozygous affected individuals were observed but pedigrees were not provided for independent review. Most of these families were identified in the absence of modern genotyping methods to rule out other possible causes. Additionally, the variant has been reported in the doubly homozygous state along with a VUS in several affected members of a family with nonsyndromic deafness where segregation could not be attributed to either variant (Shahzad_2013) and in the presumed compound heterozygous state in 1 individual with nonsyndromic deafness of unclear inheritance pattern (Alkhidir_2024). These data indicate that the variant is possibly associated with primarily recessive disease and may be a low penetrance allele when in the homozygous state. To our knowledge, no experimental evidence demonstrating an impact on protein function has been reported. The following publications have been ascertained in the context of this evaluation (PMID: 9382091, 18181211, 22135276, 38378725, 23770805, 27460420). ClinVar contains an entry for this variant (Variation ID: 177732). Based on the evidence outlined above, the variant was classified as VUS-possibly pathogenic.

Labcorp Genetics (formerly Invitae), Labcorp
Classification: Uncertain significance. Last evaluated: 2025-01-15. Review status: criteria provided, single submitter. Criteria: Invitae Variant Classification Sherloc (09022015). Collection method: clinical testing. Allele origin: germline. Not counted in ClinVar's aggregate classification.
Comment: This sequence change replaces alanine, which is neutral and non-polar, with threonine, which is neutral and polar, at codon 826 of the MYO7A protein (p.Ala826Thr). This variant is present in population databases (rs368341987, gnomAD 0.6%), including at least one homozygous and/or hemizygous individual. This missense change has been observed in individual(s) with Usher syndrome (PMID: 9382091, 29490346). It has also been observed to segregate with disease in related individuals. ClinVar contains an entry for this variant (Variation ID: 177732). Invitae Evidence Modeling of protein sequence and biophysical properties (such as structural, functional, and spatial information, amino acid conservation, physicochemical variation, residue mobility, and thermodynamic stability) indicates that this missense variant is not expected to disrupt MYO7A protein function with a negative predictive value of 95%. In summary, the available evidence is currently insufficient to determine the role of this variant in disease. Therefore, it has been classified as a Variant of Uncertain Significance.

Blueprint Genetics
Classification: Uncertain significance. Last evaluated: 2024-11-26. Review status: criteria provided, single submitter. Criteria: ACMG Guidelines, 2015. Collection method: clinical testing. Allele origin: germline. Not counted in ClinVar's aggregate classification.

Laboratory of Prof. Karen Avraham, Tel Aviv University
Classification: Pathogenic for Autosomal recessive nonsyndromic hearing loss 2. Last evaluated: 2024-08-20. Review status: criteria provided, single submitter. Criteria: ACMG Guidelines, 2015. Collection method: research. Allele origin: germline. Affected: yes. Observed: 1 variant allele. Not counted in ClinVar's aggregate classification.
Comment: A known pathogenic variants according to Deafness Variation Database and ClinVar based on PMID:9382091.

Revvity Omics, Revvity
Classification: Uncertain significance. Last evaluated: 2024-08-12. Review status: criteria provided, single submitter. Criteria: ACMG Guidelines, 2015. Collection method: clinical testing. Allele origin: germline. Not counted in ClinVar's aggregate classification.

Fulgent Genetics
Classification: Uncertain significance for Usher syndrome type 1; Autosomal recessive nonsyndromic hearing loss 2; Autosomal dominant nonsyndromic hearing loss 11. Last evaluated: 2022-02-03. Review status: criteria provided, single submitter. Criteria: ACMG Guidelines, 2015. Collection method: clinical testing. Allele origin: unknown. Not counted in ClinVar's aggregate classification.